The following is an entry in ClinVar:

ClinVar aggregate classification (germline): Uncertain significance (1 of 4 stars; one submission).

Submission:

Labcorp Genetics (formerly Invitae), Labcorp
Classification: Uncertain significance. Last evaluated: 2023-10-22. Review status: criteria provided, single submitter. Criteria: Invitae Variant Classification Sherloc (09022015). Collection method: clinical testing. Allele origin: germline.
Comment: This sequence change replaces arginine, which is basic and polar, with proline, which is neutral and non-polar, at codon 132 of the P4HB protein (p.Arg132Pro). This variant is not present in population databases (gnomAD no frequency). This variant has not been reported in the literature in individuals affected with P4HB-related conditions. Advanced modeling of protein sequence and biophysical properties (such as structural, functional, and spatial information, amino acid conservation, physicochemical variation, residue mobility, and thermodynamic stability) performed at Invitae indicates that this missense variant is expected to disrupt P4HB protein function. In summary, the available evidence is currently insufficient to determine the role of this variant in disease. Therefore, it has been classified as a Variant of Uncertain Significance.

NM_000918.4(P4HB):c.395G>C (p.Arg132Pro)

Gene: P4HB (prolyl 4-hydroxylase subunit beta; minus strand). Cytogenetic location: 17q25.3.
Variant type: single nucleotide variant.
Coding change: c.395G>C on transcript NM_000918.4 (MANE Select); coding-DNA position 395, G replaced by C.
Protein change: p.Arg132Pro; replaces arginine 132 with proline.
Molecular consequence: missense variant.
Genome position (GRCh38, 1-based): chr17:81,855,544, C>G on the plus strand (G>C on the coding strand, the complement: P4HB is on the minus strand). VCF-style: chr17-81855544-C-G. GRCh37 (hg19) VCF-style: chr17-79813420-C-G.
Other names: short protein forms R132P.
Identifiers: ClinVar variation 2766546 (VCV002766546.3), dbSNP rs758374436, ClinGen allele CA401516073.
Genomic context (GRCh38, chr17:81,855,544, plus strand): 5'-GACTCCACCAAGGACTCTGCAGCTGCGCCGTCAGGCAGGGTGGTGGCAGCCGGGCCCGTG[C>G]GCTTCTTCAGCCAGTTCACGATGTCATCAGCCTCTCTGCCAGCTAACCCCAAACAAATGT-3'
Protein context (NP_000909.2, residues 122-142): ADDIVNWLKK[Arg132Pro]TGPAATTLPD